The following is an entry in ClinVar:

ClinVar aggregate classification (germline): Likely benign (0 of 4 stars; one submission).

Conditions:
DYRK1B-related disorder. Also called: DYRK1B-related condition.

gnomAD v4.1: 3 of 1,417,204 alleles (0.00021%); highest among the groups gnomAD compares: Admixed American, 0.0032%; no homozygotes.

Submission:

PreventionGenetics, part of Exact Sciences
Classification: Likely benign for DYRK1B-related condition. Last evaluated: 2024-07-03. Review status: no assertion criteria provided. Collection method: clinical testing. Allele origin: germline.
Comment: This variant is classified as likely benign based on ACMG/AMP sequence variant interpretation guidelines (Richards et al. 2015 PMID: 25741868, with internal and published modifications).

NM_004714.3(DYRK1B):c.1182G>C (p.Pro394=)

Gene: DYRK1B (dual specificity tyrosine phosphorylation regulated kinase 1B; minus strand). Cytogenetic location: 19q13.2.
Variant type: single nucleotide variant.
Coding change: c.1182G>C on transcript NM_004714.3 (MANE Select); coding-DNA position 1182, G replaced by C.
Protein change: p.Pro394=; no amino-acid change (proline 394 retained).
Molecular consequence: synonymous variant. On other transcripts: intron variant (2).
Genome position (GRCh38, 1-based): chr19:39,826,901, C>G on the plus strand (G>C on the coding strand, the complement: DYRK1B is on the minus strand). VCF-style: chr19-39826901-C-G. GRCh37 (hg19) VCF-style: chr19-40317541-C-G.
Other names: c.1096-34G>C (NM_006483.3); c.1132-34G>C (NM_006484.3).
Identifiers: ClinVar variation 3352804 (VCV003352804.1).